The following is an entry in ClinVar:

NM_001033855.3(DCLRE1C):c.1118G>T (p.Gly373Val)

Gene: DCLRE1C (DNA cross-link repair 1C; minus strand). Cytogenetic location: 10p13.
Variant type: single nucleotide variant.
Coding change: c.1118G>T on transcript NM_001033855.3 (MANE Select); coding-DNA position 1118, G replaced by T.
Protein change: p.Gly373Val; replaces glycine 373 with valine.
Molecular consequence: missense variant. On other transcripts: non-coding transcript variant (4).
Genome position (GRCh38, 1-based): chr10:14,919,776, C>A on the plus strand (G>T on the coding strand, the complement: DCLRE1C is on the minus strand). VCF-style: chr10-14919776-C-A. GRCh37 (hg19) VCF-style: chr10-14961775-C-A.
Other names: c.758G>T, p.Gly253Val (NM_001033857.3, NM_001033858.3, NM_001289077.2 and 2 more transcripts); c.773G>T, p.Gly258Val (NM_001289076.2, NM_001289078.2, NM_001350966.2 and 1 more transcripts); c.1118G>T, p.Gly373Val (NM_001350965.2); short protein forms G253V, G258V, G373V.
Identifiers: ClinVar variation 4533306 (VCV004533306.2).

ClinVar aggregate classification (germline): Likely pathogenic (1 of 4 stars; one submission).

Conditions:
Histiocytic medullary reticulosis. Also called: SEVERE COMBINED IMMUNODEFICIENCY WITH HYPEREOSINOPHILIA; Omenn syndrome. Identifiers: Orphanet 39041, MedGen C2700553, MONDO:0011338, OMIM 603554.

Submission:

Institute of Human Genetics, University of Leipzig Medical Center
Classification: Likely pathogenic for Histiocytic medullary reticulosis. Last evaluated: 2026-01-05. Review status: criteria provided, single submitter. Criteria: ACMG Guidelines, 2015. Collection method: clinical testing. Allele origin: paternal. Affected: yes.
Comment: Criteria applied: PM3, PP4_MOD, PM2_SUP, PP1